The following is an entry in ClinVar:

ClinVar aggregate classification (germline): Uncertain significance (1 of 4 stars; one submission).

Submission:

Labcorp Genetics (formerly Invitae), Labcorp
Classification: Uncertain significance. Last evaluated: 2022-05-27. Review status: criteria provided, single submitter. Criteria: Invitae Variant Classification Sherloc (09022015). Collection method: clinical testing. Allele origin: germline.
Comment: In summary, the available evidence is currently insufficient to determine the role of this variant in disease. Therefore, it has been classified as a Variant of Uncertain Significance. Variants that disrupt the consensus splice site are a relatively common cause of aberrant splicing (PMID: 17576681, 9536098). Algorithms developed to predict the effect of sequence changes on RNA splicing suggest that this variant is not likely to affect RNA splicing. This variant has not been reported in the literature in individuals affected with TUB-related conditions. This variant is not present in population databases (gnomAD no frequency). This sequence change falls in intron 1 of the TUB gene. It does not directly change the encoded amino acid sequence of the TUB protein. It affects a nucleotide within the consensus splice site.

Literature cited by the submitters: PubMed 17576681; PubMed 9536098.

NC_000011.10:g.8039031A>G

Gene: TUB (TUB bipartite transcription factor; plus strand). Cytogenetic location: 11p15.4.
Variant type: single nucleotide variant.
Molecular consequence: intron variant (on NM_001440538.1).
Genome position: GRCh38 VCF-style: chr11-8039031-A-G. GRCh37 (hg19) VCF-style: chr11-8060578-A-G.
Other names: c.56+19673A>G (NM_001440538.1, NM_001440539.1, NM_001440540.1 and 1 more transcripts); c.155+3A>G (NM_003320.5).
Identifiers: ClinVar variation 1999292 (VCV001999292.4), dbSNP rs2495545200, ClinGen allele CA2580084027.